The following is an entry in ClinVar:

NM_001291303.3(FAT4):c.3768A>G (p.Arg1256=)

Gene: FAT4 (FAT atypical cadherin 4; plus strand). Cytogenetic location: 4q28.1.
Variant type: single nucleotide variant.
Coding change: c.3768A>G on transcript NM_001291303.3 (MANE Select); coding-DNA position 3768, A replaced by G.
Protein change: p.Arg1256=; no amino-acid change (arginine 1256 retained).
Molecular consequence: synonymous variant.
Genome position (GRCh38, 1-based): chr4:125,320,179, A>G. VCF-style: chr4-125320179-A-G. GRCh37 (hg19) VCF-style: chr4-126241334-A-G.
Other names: c.3768A>G, p.Arg1256= (NM_001291285.3, NM_024582.6).
Identifiers: ClinVar variation 384880 (VCV000384880.12), dbSNP rs114652326, ClinGen allele CA3072363.

ClinVar aggregate classification (germline): Likely benign. Review status: criteria provided, multiple submitters, no conflicts (2 of 4 stars). 4 submissions from 4 submitters: Likely benign (3). 1 of the submissions does not count toward it. Last evaluated 2025-12-10.

Conditions:
FAT4-related disorder. Also called: FAT4-related condition.

Allele frequency attached by ClinVar (database versions not stated): gnomAD exomes 0.00004 and 0.00007; ESP Exome Variant Server 0.00008; ExAC 0.00011; 1000 Genomes Project 30x 0.00031; TOPMed 0.00039; 1000 Genomes Project 0.00040; gnomAD 0.00040 and 0.00042.
gnomAD v4.1: 120 of 1,613,894 alleles (0.0074%); highest among the groups gnomAD compares: African/African-American, 0.14%; no homozygotes.

Submissions (4):

Labcorp Genetics (formerly Invitae), Labcorp
Classification: Likely benign. Last evaluated: 2025-12-10. Review status: criteria provided, single submitter. Criteria: Invitae Variant Classification Sherloc (09022015). Collection method: clinical testing. Allele origin: germline.

Blueprint Genetics
Classification: Likely benign. Last evaluated: 2022-05-03. Review status: criteria provided, single submitter. Criteria: ACMG Guidelines, 2015. Collection method: clinical testing. Allele origin: germline.

GeneDx
Classification: Likely benign. Last evaluated: 2016-04-05. Review status: criteria provided, single submitter. Criteria: GeneDx Variant Classification (06012015). Collection method: clinical testing. Allele origin: germline. Affected: yes.
Comment: This variant is considered likely benign or benign based on one or more of the following criteria: it is a conservative change, it occurs at a poorly conserved position in the protein, it is predicted to be benign by multiple in silico algorithms, and/or has population frequency not consistent with disease.

PreventionGenetics, part of Exact Sciences
Classification: Likely benign for FAT4-related condition. Last evaluated: 2019-10-28. Review status: no assertion criteria provided. Collection method: clinical testing. Allele origin: germline. Not counted in ClinVar's aggregate classification.
Comment: This variant is classified as likely benign based on ACMG/AMP sequence variant interpretation guidelines (Richards et al. 2015 PMID: 25741868, with internal and published modifications).